The following is an entry in ClinVar:

ClinVar aggregate classification (germline): Pathogenic (1 of 4 stars; one submission).

Submission:

GeneDx
Classification: Pathogenic. Last evaluated: 2023-01-13. Review status: criteria provided, single submitter. Criteria: GeneDx Variant Classification Process June 2021. Collection method: clinical testing. Allele origin: germline. Affected: yes.
Comment: Occurs in the triple helical domain and replaces a glycine in a canonical Gly-X-Y repeat; missense substitution of a canonical glycine residue is expected to disrupt normal protein folding and function, and this is an established mechanism of disease (Jovanovic et al., 2021); Not observed at significant frequency in large population cohorts (gnomAD); In silico analysis supports that this missense variant has a deleterious effect on protein structure/function; This variant is associated with the following publications: (PMID: 34007986, 35627109)

NM_000089.4(COL1A2):c.2486G>A (p.Gly829Asp)

Gene: COL1A2 (collagen type I alpha 2 chain; plus strand). Cytogenetic location: 7q21.3.
Variant type: single nucleotide variant.
Coding change: c.2486G>A on transcript NM_000089.4 (MANE Select); coding-DNA position 2486, G replaced by A.
Protein change: p.Gly829Asp; replaces glycine 829 with aspartic acid.
Molecular consequence: missense variant.
Genome position (GRCh38, 1-based): chr7:94,423,039, G>A. VCF-style: chr7-94423039-G-A. GRCh37 (hg19) VCF-style: chr7-94052351-G-A.
Other names: short protein forms G829D.
Identifiers: ClinVar variation 2572880 (VCV002572880.1), dbSNP rs2484729507, ClinGen allele CA368224023.